The following is an entry in ClinVar:

NM_017636.4(TRPM4):c.3462-1G>A

Gene: TRPM4 (transient receptor potential cation channel subfamily M member 4; plus strand). Cytogenetic location: 19q13.33.
Variant type: single nucleotide variant.
Coding change: c.3462-1G>A on transcript NM_017636.4 (MANE Select); the canonical splice acceptor site of the intron before coding-DNA position 3462, G replaced by A.
Molecular consequence: splice acceptor variant.
Genome position (GRCh38, 1-based): chr19:49,211,014, G>A. VCF-style: chr19-49211014-G-A. GRCh37 (hg19) VCF-style: chr19-49714271-G-A.
Other names: c.3027-1G>A (NM_001195227.2); c.1854-1G>A (NM_001321282.2); c.3117-1G>A (NM_001321281.2); c.2940-1G>A (NM_001321283.2); c.2400-1G>A (NM_001321285.2).
Identifiers: ClinVar variation 5006015 (VCV005006015.2).

ClinVar aggregate classification (germline): Uncertain significance (1 of 4 stars; one submission).

Conditions:
Progressive familial heart block type IB (PFHB1B). Identifiers: Orphanet 871, MedGen C1970298, MONDO:0011474, OMIM 604559.
Erythrokeratodermia variabilis et progressiva 6. Identifiers: MedGen C5193144, MONDO:0032801, OMIM 618531.

Submission:

Juno Genomics, Hangzhou Juno Genomics, Inc
Classification: Uncertain significance for Erythrokeratodermia variabilis et progressiva 6; Progressive familial heart block type IB. Review status: criteria provided, single submitter. Criteria: ACMG Guidelines, 2015. Collection method: clinical testing. Allele origin: germline.
Comment: Absent from controls (or at extremely low frequency if recessive) in Genome Aggregation Database.